The following is an entry in ClinVar:

ClinVar aggregate classification (germline): Uncertain significance (1 of 4 stars; one submission).

Conditions:
Spondylodysplastic Ehlers-Danlos syndrome. Identifiers: Orphanet 536471, Orphanet 75496, MedGen C5680154, MONDO:0007526.

Submission:

Labcorp Genetics (formerly Invitae), Labcorp
Classification: Uncertain significance for Spondylodysplastic Ehlers-Danlos syndrome. Last evaluated: 2025-09-22. Review status: criteria provided, single submitter. Criteria: Invitae Variant Classification Sherloc (09022015). Collection method: clinical testing. Allele origin: germline.
Comment: This sequence change replaces serine, which is neutral and polar, with arginine, which is basic and polar, at codon 155 of the B4GALT7 protein (p.Ser155Arg). This variant is not present in population databases (gnomAD no frequency). This variant has not been reported in the literature in individuals affected with B4GALT7-related conditions. Invitae Evidence Modeling of protein sequence and biophysical properties (such as structural, functional, and spatial information, amino acid conservation, physicochemical variation, residue mobility, and thermodynamic stability) indicates that this missense variant is not expected to disrupt B4GALT7 protein function with a negative predictive value of 80%. In summary, the available evidence is currently insufficient to determine the role of this variant in disease. Therefore, it has been classified as a Variant of Uncertain Significance.

NM_007255.3(B4GALT7):c.465C>G (p.Ser155Arg)

Gene: B4GALT7 (beta-1,4-galactosyltransferase 7; plus strand). Cytogenetic location: 5q35.3.
Variant type: single nucleotide variant.
Coding change: c.465C>G on transcript NM_007255.3 (MANE Select); coding-DNA position 465, C replaced by G.
Protein change: p.Ser155Arg; replaces serine 155 with arginine.
Molecular consequence: missense variant.
Genome position (GRCh38, 1-based): chr5:177,607,353, C>G. VCF-style: chr5-177607353-C-G. GRCh37 (hg19) VCF-style: chr5-177034354-C-G.
Other names: short protein forms S155R.
Identifiers: ClinVar variation 4807412 (VCV004807412.1).